The following is an entry in ClinVar:

ClinVar aggregate classification (germline): Uncertain significance (1 of 4 stars; one submission).

Conditions:
Brugada syndrome. Also called: Sudden unexpected nocturnal death syndrome; Sudden unexplained nocturnal death syndrome; Sudden Unexplained Death Syndrome; Sudden Unexplained Nocturnal Death Syndrome (SUNDS). Identifiers: Orphanet 130, MedGen C1142166, MONDO:0015263.

Allele frequency attached by ClinVar (database versions not stated): gnomAD 0.00001; gnomAD exomes below 0.00001; TOPMed below 0.00001; ExAC 0.00001.
gnomAD v4.1: 7 of 1,595,204 alleles (0.00044%); highest among the groups gnomAD compares: South Asian, 0.0082%; no homozygotes.

Submission:

Labcorp Genetics (formerly Invitae), Labcorp
Classification: Uncertain significance for Brugada syndrome. Last evaluated: 2022-09-13. Review status: criteria provided, single submitter. Criteria: Invitae Variant Classification Sherloc (09022015). Collection method: clinical testing. Allele origin: germline.
Comment: Algorithms developed to predict the effect of missense changes on protein structure and function are either unavailable or do not agree on the potential impact of this missense change (SIFT: "Tolerated"; PolyPhen-2: "Possibly Damaging"; Align-GVGD: "Class C0"). In summary, the available evidence is currently insufficient to determine the role of this variant in disease. Therefore, it has been classified as a Variant of Uncertain Significance. This variant has not been reported in the literature in individuals affected with SLMAP-related conditions. This variant is present in population databases (rs760957218, gnomAD 0.008%). This sequence change replaces phenylalanine, which is neutral and non-polar, with valine, which is neutral and non-polar, at codon 369 of the SLMAP protein (p.Phe369Val).

NM_001377540.1(SLMAP):c.1105T>G (p.Phe369Val)

Gene: SLMAP (sarcolemma associated protein; plus strand). Cytogenetic location: 3p14.3.
Variant type: single nucleotide variant.
Coding change: c.1105T>G on transcript NM_001377540.1 (MANE Select); coding-DNA position 1105, T replaced by G.
Protein change: p.Phe369Val; replaces phenylalanine 369 with valine.
Molecular consequence: missense variant. On other transcripts: non-coding transcript variant (1).
Genome position (GRCh38, 1-based): chr3:57,864,686, T>G. VCF-style: chr3-57864686-T-G. GRCh37 (hg19) VCF-style: chr3-57850413-T-G.
Other names: c.1105T>G, p.Phe369Val (NM_001304420.3, NM_001304421.2, NM_001377538.1 and 17 more transcripts); short protein forms F369V.
Identifiers: ClinVar variation 2047752 (VCV002047752.4), dbSNP rs760957218, ClinGen allele CA2467001.